The following is an entry in ClinVar:

NM_013372.7(GREM1):c.387G>A (p.Arg129=)

Gene: GREM1 (gremlin 1, DAN family BMP antagonist; plus strand). Cytogenetic location: 15q13.3.
Variant type: single nucleotide variant.
Coding change: c.387G>A on transcript NM_013372.7 (MANE Select); coding-DNA position 387, G replaced by A.
Protein change: p.Arg129=; no amino-acid change (arginine 129 retained).
Molecular consequence: synonymous variant.
Genome position (GRCh38, 1-based): chr15:32,731,077, G>A. VCF-style: chr15-32731077-G-A. GRCh37 (hg19) VCF-style: chr15-33023278-G-A.
Other names: c.177G>A, p.Arg59= (NM_001191322.2); c.264G>A, p.Arg88= (NM_001191323.2); c.387G>A, p.Arg129= (NM_001368719.1).
Identifiers: ClinVar variation 1735789 (VCV001735789.4), dbSNP rs2548707906, ClinGen allele CA489647196.

ClinVar aggregate classification (germline): Likely benign. Review status: criteria provided, single submitter (1 of 4 stars). 2 submissions from 2 submitters: Likely benign (1). 1 of the submissions does not count toward it. Last evaluated 2021-04-08.

Conditions:
GREM1-related disorder. Also called: GREM1-related condition.
Hereditary cancer-predisposing syndrome. Also called: Neoplastic Syndromes, Hereditary; Tumor predisposition; Hereditary Cancer Syndrome; Hereditary neoplastic syndrome. Identifiers: Orphanet 140162, MedGen C0027672, MeSH D009386, MONDO:0015356.

gnomAD v4.1: 1 of 1,614,144 alleles (0.000062%); no homozygotes.

Submissions (2):

Ambry Genetics
Classification: Likely benign for Hereditary cancer-predisposing syndrome. Last evaluated: 2021-04-08. Review status: criteria provided, single submitter. Criteria: Ambry Variant Classification Scheme 2023. Collection method: clinical testing. Allele origin: germline.

PreventionGenetics, part of Exact Sciences
Classification: Likely benign for GREM1-related condition. Last evaluated: 2022-05-06. Review status: no assertion criteria provided. Collection method: clinical testing. Allele origin: germline. Not counted in ClinVar's aggregate classification.
Comment: This variant is classified as likely benign based on ACMG/AMP sequence variant interpretation guidelines (Richards et al. 2015 PMID: 25741868, with internal and published modifications).